The following is an entry in ClinVar:

NM_001365276.2(TNXB):c.521A>G (p.Glu174Gly)

Gene: TNXB (tenascin XB; minus strand). Cytogenetic location: 6p21.33.
Variant type: single nucleotide variant.
Coding change: c.521A>G on transcript NM_001365276.2 (MANE Select); coding-DNA position 521, A replaced by G.
Protein change: p.Glu174Gly; replaces glutamic acid 174 with glycine.
Molecular consequence: missense variant.
Genome position (GRCh38, 1-based): chr6:32,097,332, T>C on the plus strand (A>G on the coding strand, the complement: TNXB is on the minus strand). VCF-style: chr6-32097332-T-C. GRCh37 (hg19) VCF-style: chr6-32065109-T-C.
Other names: c.521A>G, p.Glu174Gly (NM_001428335.1, NM_019105.8); short protein forms E174G.
Identifiers: ClinVar variation 4997324 (VCV004997324.1).

ClinVar aggregate classification (germline): Uncertain significance (1 of 4 stars; one submission).

Conditions:
TNXB-related disorder. Also called: TNXB-related condition.

Submission:

PreventionGenetics, part of Exact Sciences
Classification: Uncertain significance for TNXB-related condition. Last evaluated: 2024-12-01. Review status: criteria provided, single submitter. Criteria: ACMG Guidelines, 2015. Collection method: clinical testing. Allele origin: germline.
Comment: The TNXB c.521A>G variant is predicted to result in the amino acid substitution p.Glu174Gly. To our knowledge, this variant has not been reported in the literature or in a large population database (gnomAD), indicating this variant is rare. At this time, the clinical significance of this variant is uncertain due to the absence of conclusive functional and genetic evidence.